The following is an entry in ClinVar:

ClinVar aggregate classification (germline): Likely benign. Review status: criteria provided, multiple submitters, no conflicts (2 of 4 stars). 2 submissions from 2 submitters: Likely benign (2). Last evaluated 2025-02-11.

Conditions:
Colorectal cancer, susceptibility to, 12 (CRCS12). Also called: COLORECTAL CANCER, SUSCEPTIBILITY TO, ON CHROMOSOME 12q24. Identifiers: Orphanet 220460, MedGen C3554460, MONDO:0014038, OMIM 615083.

Allele frequency attached by ClinVar (database versions not stated): gnomAD exomes below 0.00001.
gnomAD v4.1: 1 of 1,558,072 alleles (0.000064%); highest among the groups gnomAD compares: Non-Finnish European, 0.000089%; no homozygotes.

Submissions (2):

Myriad Genetics, Inc.
Classification: Likely benign for Colorectal cancer, susceptibility to, 12. Last evaluated: 2025-02-11. Review status: criteria provided, single submitter. Criteria: Myriad Autosomal Dominant, Autosomal Recessive and X-Linked Classification Criteria (2023). Collection method: clinical testing. Allele origin: unknown.
Comment: This variant is considered likely benign. This variant is intronic and is not expected to impact mRNA splicing.

Labcorp Genetics (formerly Invitae), Labcorp
Classification: Likely benign. Last evaluated: 2024-10-02. Review status: criteria provided, single submitter. Criteria: Invitae Variant Classification Sherloc (09022015). Collection method: clinical testing. Allele origin: germline.

NM_006231.4(POLE):c.1473+10A>G

Gene: POLE (DNA polymerase epsilon, catalytic subunit; minus strand). Cytogenetic location: 12q24.33.
Variant type: single nucleotide variant.
Coding change: c.1473+10A>G on transcript NM_006231.4 (MANE Select); 10 bases into the intron after coding-DNA position 1473, A replaced by G.
Molecular consequence: intron variant.
Genome position (GRCh38, 1-based): chr12:132,673,154, T>C on the plus strand (A>G on the coding strand, the complement: POLE is on the minus strand). VCF-style: chr12-132673154-T-C. GRCh37 (hg19) VCF-style: chr12-133249740-T-C.
Identifiers: ClinVar variation 2721098 (VCV002721098.4), dbSNP rs2042968621, ClinGen allele CA2622059734.